The following is an entry in ClinVar:

NM_012203.2(GRHPR):c.961C>G (p.Pro321Ala)

Gene: GRHPR (glyoxylate and hydroxypyruvate reductase; plus strand). Cytogenetic location: 9p13.2.
Variant type: single nucleotide variant.
Coding change: c.961C>G on transcript NM_012203.2 (MANE Select); coding-DNA position 961, C replaced by G.
Protein change: p.Pro321Ala; replaces proline 321 with alanine.
Molecular consequence: missense variant.
Genome position (GRCh38, 1-based): chr9:37,436,756, C>G. VCF-style: chr9-37436756-C-G. GRCh37 (hg19) VCF-style: chr9-37436753-C-G.
Other names: short protein forms P321A.
Identifiers: ClinVar variation 2664424 (VCV002664424.1), dbSNP rs1395771265, ClinGen allele CA373445494.

ClinVar aggregate classification (germline): Uncertain significance (1 of 4 stars; one submission).

Conditions:
Primary hyperoxaluria, type II (HP2). Also called: OXALOSIS II; Primary hyperoxaluria type 2; D-GLYCERATE DEHYDROGENASE DEFICIENCY; GLYCERIC ACIDURIA; GLYOXYLATE REDUCTASE/HYDROXYPYRUVATE REDUCTASE DEFICIENCY. Identifiers: Orphanet 416, Orphanet 93599, MedGen C0268165, MONDO:0009824, OMIM 260000. Disease mechanism: loss of function.

Submission:

Clinical Biochemistry Laboratory, Health Services Laboratory
Classification: Uncertain significance for Primary hyperoxaluria, type II. Last evaluated: 2023-10-27. Review status: criteria provided, single submitter. Criteria: ACMG Guidelines, 2015. Collection method: curation. Allele origin: germline. Affected: yes.
Comment: ACMG:PM1 PM2

Literature cited by the submitters: PubMed 36185032.